The following is an entry in ClinVar:

NM_004963.4(GUCY2C):c.448del (p.Ser150fs)

Genes: GUCY2C (guanylate cyclase 2C; minus strand), GUCY2C-AS1 (GUCY2C antisense RNA 1; plus strand). Cytogenetic location: 12p12.3.
Variant type: Deletion.
Coding change: c.448del on transcript NM_004963.4 (MANE Select); coding-DNA position 448, one base deleted (T; older notation c.448delT).
Protein change: p.Ser150fs; shifts the reading frame from serine 150.
Molecular consequence: frameshift variant.
Genome position (GRCh38, 1-based): chr12:14,683,205, A deleted on the plus strand (T on the coding strand, the reverse complement: GUCY2C is on the minus strand). VCF-style (leftmost placement, unchanged base first): chr12-14683204-GA-G. GRCh37 (hg19) VCF-style: chr12-14836138-GA-G.
Other names: short protein forms S150fs.
Identifiers: ClinVar variation 5005070 (VCV005005070.2).

ClinVar aggregate classification (germline): Uncertain significance (1 of 4 stars; one submission).

Conditions:
Congenital diarrhea 6. Identifiers: Orphanet 314373, MedGen C3553270, MONDO:0013825, OMIM 614616.
Intestinal obstruction in the newborn due to guanylate cyclase 2C deficiency. Identifiers: Orphanet 314376, MedGen C4518781, MONDO:0013843, OMIM 614665.

Submission:

Juno Genomics, Hangzhou Juno Genomics, Inc
Classification: Uncertain significance for Congenital diarrhea 6; Intestinal obstruction in the newborn due to guanylate cyclase 2C deficiency. Review status: criteria provided, single submitter. Criteria: ACMG Guidelines, 2015. Collection method: clinical testing. Allele origin: germline.
Comment: Absent from controls (or at extremely low frequency if recessive) in Genome Aggregation Database.